The following is an entry in ClinVar:

NM_000059.4(BRCA2):c.620C>G (p.Thr207Ser)

Gene: BRCA2 (BRCA2 DNA repair associated; plus strand). Cytogenetic location: 13q13.1.
Variant type: single nucleotide variant.
Coding change: c.620C>G on transcript NM_000059.4 (MANE Select); coding-DNA position 620, C replaced by G.
Protein change: p.Thr207Ser; replaces threonine 207 with serine.
Molecular consequence: missense variant. On other transcripts: non-coding transcript variant (1).
Genome position (GRCh38, 1-based): chr13:32,326,602, C>G. VCF-style: chr13-32326602-C-G. GRCh37 (hg19) VCF-style: chr13-32900739-C-G.
Other names: c.620C>G, p.Thr207Ser (NM_001406719.1, NM_001406720.1, NM_001406721.1 and 1 more transcripts); c.251C>G, p.Thr84Ser (NM_001406722.1); short protein forms T207S, T84S.
Identifiers: ClinVar variation 3482184 (VCV003482184.1).

ClinVar aggregate classification (germline): Uncertain significance (1 of 4 stars; one submission).

Conditions:
Hereditary cancer-predisposing syndrome. Also called: Tumor predisposition; Neoplastic Syndromes, Hereditary; Hereditary Cancer Syndrome; Hereditary neoplastic syndrome. Identifiers: Orphanet 140162, MedGen C0027672, MeSH D009386, MONDO:0015356.

Submission:

Ambry Genetics
Classification: Uncertain significance for Hereditary cancer-predisposing syndrome. Last evaluated: 2024-11-22. Review status: criteria provided, single submitter. Criteria: Ambry Variant Classification Scheme 2023. Collection method: clinical testing. Allele origin: germline.
Comment: The p.T207S variant (also known as c.620C>G), located in coding exon 6 of the BRCA2 gene, results from a C to G substitution at nucleotide position 620. The threonine at codon 207 is replaced by serine, an amino acid with similar properties. This amino acid position is highly conserved in available vertebrate species. In addition, this alteration is predicted to be tolerated by in silico analysis. Based on the available evidence, the clinical significance of this variant remains unclear.